The following is an entry in ClinVar:

NM_001382567.1(STIM1):c.1459C>T (p.Pro487Ser)

Gene: STIM1 (stromal interaction molecule 1; plus strand). Cytogenetic location: 11p15.4.
Variant type: single nucleotide variant.
Coding change: c.1459C>T on transcript NM_001382567.1 (MANE Select); coding-DNA position 1459, C replaced by T.
Protein change: p.Pro487Ser; replaces proline 487 with serine.
Molecular consequence: missense variant. On other transcripts: non-coding transcript variant (2).
Genome position (GRCh38, 1-based): chr11:4,083,483, C>T. VCF-style: chr11-4083483-C-T. GRCh37 (hg19) VCF-style: chr11-4104713-C-T.
Other names: c.1459C>T, p.Pro487Ser (NM_001277961.3, NM_001277962.2, NM_003156.4); c.1237C>T, p.Pro413Ser (NM_001382566.1, NM_001382573.1, NM_001382575.1 and 4 more transcripts); c.1480C>T, p.Pro494Ser (NM_001382568.1); c.1324C>T, p.Pro442Ser (NM_001382569.1); c.1231C>T, p.Pro411Ser (NM_001382570.1); c.979C>T, p.Pro327Ser (NM_001382571.1); c.970C>T, p.Pro324Ser (NM_001382580.1, NM_001382581.1); short protein forms P487S, P324S, P327S, P411S, P413S, P442S, P494S.
Identifiers: ClinVar variation 860737 (VCV000860737.10), dbSNP rs2094476134, ClinGen allele CA379194520.

ClinVar aggregate classification (germline): Uncertain significance (1 of 4 stars; one submission).

Conditions:
Combined immunodeficiency due to STIM1 deficiency. Also called: STIM1 DEFICIENCY; IMMUNODEFICIENCY 10. Identifiers: Orphanet 169090, Orphanet 317430, MedGen C2748557, MONDO:0013008, OMIM 612783.
Myopathy with tubular aggregates (TAM). Also called: Tubular Aggregate Myopathy. Identifiers: Orphanet 2593, MedGen C0410207, MONDO:0008051.
Stormorken syndrome (STRMK). Also called: THROMBOCYTOPATHY, ASPLENIA, AND MIOSIS. Identifiers: Orphanet 3204, MedGen C1861451, MONDO:0008497, OMIM 185070.

Submission:

Labcorp Genetics (formerly Invitae), Labcorp
Classification: Uncertain significance for Myopathy with tubular aggregates; Combined immunodeficiency due to STIM1 deficiency; Stormorken syndrome. Last evaluated: 2021-08-05. Review status: criteria provided, single submitter. Criteria: Invitae Variant Classification Sherloc (09022015). Collection method: clinical testing. Allele origin: germline.
Comment: This variant is not present in population databases (ExAC no frequency). This sequence change replaces proline with serine at codon 487 of the STIM1 protein (p.Pro487Ser). The proline residue is moderately conserved and there is a moderate physicochemical difference between proline and serine. This variant has not been reported in the literature in individuals with STIM1-related conditions. Algorithms developed to predict the effect of missense changes on protein structure and function are either unavailable or do not agree on the potential impact of this missense change (SIFT: "Tolerated"; PolyPhen-2: "Probably Damaging"; Align-GVGD: "Class C0"). In summary, the available evidence is currently insufficient to determine the role of this variant in disease. Therefore, it has been classified as a Variant of Uncertain Significance.